The following is an entry in ClinVar:

NM_001012614.2(CTBP1):c.162+84C>T

Gene: CTBP1 (C-terminal binding protein 1; minus strand). Cytogenetic location: 4p16.3.
Variant type: single nucleotide variant.
Coding change: c.162+84C>T on transcript NM_001012614.2 (MANE Select); 84 bases into the intron after coding-DNA position 162, C replaced by T.
Molecular consequence: intron variant.
Genome position (GRCh38, 1-based): chr4:1,238,099, G>A on the plus strand (C>T on the coding strand, the complement: CTBP1 is on the minus strand). VCF-style: chr4-1238099-G-A. GRCh37 (hg19) VCF-style: chr4-1231887-G-A.
Other names: c.162+84C>T (NM_001377192.1, NM_001377189.1, NM_001377193.1 and 4 more transcripts); c.195+84C>T (NM_001328.3, NM_001377186.1).
Identifiers: ClinVar variation 2654557 (VCV002654557.24), dbSNP rs764666768, ClinGen allele CA2804555.

ClinVar aggregate classification (germline): Likely benign (1 of 4 stars; one submission).

Allele frequency attached by ClinVar (database versions not stated): gnomAD exomes 0.00001; gnomAD 0.00003; ExAC 0.00004; TOPMed 0.00004.
gnomAD v4.1: 26 of 1,575,454 alleles (0.0017%); highest among the groups gnomAD compares: East Asian, 0.036%; no homozygotes.

Submission:

CeGaT Center for Human Genetics Tuebingen
Classification: Likely benign. Last evaluated: 2022-10-01. Review status: criteria provided, single submitter. Criteria: CeGaT Center For Human Genetics Tuebingen Variant Classification Criteria Version 2. Collection method: clinical testing. Allele origin: germline. Affected: yes. Observed: 1 variant allele.
Comment: CTBP1: BP4, BP7